The following is an entry in ClinVar:

ClinVar aggregate classification (germline): Uncertain significance. Review status: criteria provided, multiple submitters, no conflicts (2 of 4 stars). 2 submissions from 2 submitters: Uncertain significance (2). Last evaluated 2024-07-15.

Conditions:
Cardiovascular phenotype. Identifiers: MedGen CN230736.

gnomAD v4.1: 3 of 1,569,448 alleles (0.00019%); highest among the groups gnomAD compares: Admixed American, 0.0018%; no homozygotes.

Submissions (2):

GeneDx
Classification: Uncertain significance. Last evaluated: 2024-07-15. Review status: criteria provided, single submitter. Criteria: GeneDx Variant Classification Process June 2021. Collection method: clinical testing. Allele origin: germline. Affected: yes.
Comment: Not observed at significant frequency in large population cohorts (gnomAD); In silico analysis indicates that this missense variant does not alter protein structure/function; Has not been previously published as pathogenic or benign to our knowledge

Ambry Genetics
Classification: Uncertain significance for Cardiovascular phenotype. Last evaluated: 2024-06-24. Review status: criteria provided, single submitter. Criteria: Ambry Variant Classification Scheme 2023. Collection method: clinical testing. Allele origin: germline.
Comment: The p.G58D variant (also known as c.173G>A), located in coding exon 1 of the BAG3 gene, results from a G to A substitution at nucleotide position 173. The glycine at codon 58 is replaced by aspartic acid, an amino acid with similar properties. This amino acid position is conserved. In addition, this alteration is predicted to be tolerated by in silico analysis. Based on the available evidence, the clinical significance of this variant remains unclear.

NM_004281.4(BAG3):c.173G>A (p.Gly58Asp)

Gene: BAG3 (BAG cochaperone 3; plus strand). Cytogenetic location: 10q26.11.
Variant type: single nucleotide variant.
Coding change: c.173G>A on transcript NM_004281.4 (MANE Select); coding-DNA position 173, G replaced by A.
Protein change: p.Gly58Asp; replaces glycine 58 with aspartic acid.
Molecular consequence: missense variant.
Genome position (GRCh38, 1-based): chr10:119,651,848, G>A. VCF-style: chr10-119651848-G-A. GRCh37 (hg19) VCF-style: chr10-121411360-G-A.
Other names: short protein forms G58D.
Identifiers: ClinVar variation 3260249 (VCV003260249.2).